The following is an entry in ClinVar:

NM_152703.5(SAMD9L):c.2368A>G (p.Lys790Glu)

Gene: SAMD9L (sterile alpha motif domain containing 9 like; minus strand). Cytogenetic location: 7q21.2.
Variant type: single nucleotide variant.
Coding change: c.2368A>G on transcript NM_152703.5 (MANE Select); coding-DNA position 2368, A replaced by G.
Protein change: p.Lys790Glu; replaces lysine 790 with glutamic acid.
Molecular consequence: missense variant.
Genome position (GRCh38, 1-based): chr7:93,133,604, T>C on the plus strand (A>G on the coding strand, the complement: SAMD9L is on the minus strand). VCF-style: chr7-93133604-T-C. GRCh37 (hg19) VCF-style: chr7-92762917-T-C.
Other names: c.2368A>G, p.Lys790Glu (NM_001303496.3, NM_001303497.3, NM_001303498.3 and 5 more transcripts); short protein forms K790E.
Identifiers: ClinVar variation 3709515 (VCV003709515.2).

ClinVar aggregate classification (germline): Uncertain significance (1 of 4 stars; one submission).

Submission:

Labcorp Genetics (formerly Invitae), Labcorp
Classification: Uncertain significance. Last evaluated: 2025-01-07. Review status: criteria provided, single submitter. Criteria: Invitae Variant Classification Sherloc (09022015). Collection method: clinical testing. Allele origin: germline.
Comment: This sequence change replaces lysine, which is basic and polar, with glutamic acid, which is acidic and polar, at codon 790 of the SAMD9L protein (p.Lys790Glu). This variant is not present in population databases (gnomAD no frequency). This variant has not been reported in the literature in individuals affected with SAMD9L-related conditions. Invitae Evidence Modeling of protein sequence and biophysical properties (such as structural, functional, and spatial information, amino acid conservation, physicochemical variation, residue mobility, and thermodynamic stability) indicates that this missense variant is not expected to disrupt SAMD9L protein function with a negative predictive value of 80%. In summary, the available evidence is currently insufficient to determine the role of this variant in disease. Therefore, it has been classified as a Variant of Uncertain Significance.